The following is an entry in ClinVar:

ClinVar aggregate classification (germline): Pathogenic (1 of 4 stars; one submission).

Conditions:
Dilated cardiomyopathy 1HH (CMD1HH). Identifiers: Orphanet 154, MedGen C3151293, MONDO:0013479, OMIM 613881.
Myofibrillar myopathy 6. Identifiers: Orphanet 199340, MedGen C2751831, MONDO:0013061, OMIM 612954.

Submission:

Labcorp Genetics (formerly Invitae), Labcorp
Classification: Pathogenic for Dilated cardiomyopathy 1HH; Myofibrillar myopathy 6. Last evaluated: 2023-01-02. Review status: criteria provided, single submitter. Criteria: Invitae Variant Classification Sherloc (09022015). Collection method: clinical testing. Allele origin: germline.
Comment: For these reasons, this variant has been classified as Pathogenic. This variant has not been reported in the literature in individuals affected with BAG3-related conditions. This variant is not present in population databases (gnomAD no frequency). This sequence change creates a premature translational stop signal (p.Trp49*) in the BAG3 gene. It is expected to result in an absent or disrupted protein product. Loss-of-function variants in BAG3 are known to be pathogenic (PMID: 21353195, 25008357).

Literature cited by the submitters: PubMed 21353195; PubMed 25008357.

NM_004281.4(BAG3):c.147G>A (p.Trp49Ter)

Gene: BAG3 (BAG cochaperone 3; plus strand). Cytogenetic location: 10q26.11.
Variant type: single nucleotide variant.
Coding change: c.147G>A on transcript NM_004281.4 (MANE Select); coding-DNA position 147, G replaced by A.
Protein change: p.Trp49Ter; replaces tryptophan 49 with a stop codon.
Molecular consequence: nonsense.
Genome position (GRCh38, 1-based): chr10:119,651,822, G>A. VCF-style: chr10-119651822-G-A. GRCh37 (hg19) VCF-style: chr10-121411334-G-A.
Other names: short protein forms W49*.
Identifiers: ClinVar variation 2942074 (VCV002942074.3), dbSNP rs2493980111, ClinGen allele CA378294276.